The following is an entry in ClinVar:

NM_002900.3(RBP3):c.826TTC[2] (p.Phe278del)

Gene: RBP3 (retinol binding protein 3; plus strand). Cytogenetic location: 10q11.22.
Variant type: Microsatellite.
Coding change: c.826TTC[2] on transcript NM_002900.3 (MANE Select); two copies in a row of the 3-base unit TTC starting at c.826; the reference has three copies in a row; one copy, 3 bases deleted; also written c.832_834del.
Protein change: p.Phe278del; deletes phenylalanine 278.
Molecular consequence: inframe deletion.
Genome position (GRCh38, 1-based): chr10:47,349,316-47,349,318, TTC deleted; deleting any 3 consecutive bases within chr10:47,349,309-47,349,318 gives the same sequence; the position shown is the placement nearest the transcript's 3' end. VCF-style (leftmost placement, unchanged base first): chr10-47349308-ACTT-A. GRCh37 (hg19) VCF-style: chr10-48390043-TGAA-T.
Other names: c.832_834del (NM_002900.2); short protein forms F278del.
Identifiers: ClinVar variation 437963 (VCV000437963.11), dbSNP rs782604129, ClinGen allele CA5487681.

ClinVar aggregate classification (germline): Conflicting classifications of pathogenicity. Review status: criteria provided, conflicting classifications (1 of 4 stars). 4 submissions from 4 submitters: Likely pathogenic (1); Uncertain significance (2). 1 of the submissions does not count toward it. Last evaluated 2026-04-02.

Conditions:
Congenital stationary night blindness. Also called: Early-onset non-progressive night blindness. Identifiers: Orphanet 215, MedGen C0339535, MONDO:0016293, HP:0007642.

Submissions (4):

GeneDx
Classification: Likely pathogenic. Last evaluated: 2026-04-02. Review status: criteria provided, single submitter. Criteria: GeneDx Variant Classification Process June 2021. Collection method: clinical testing. Allele origin: germline.
Comment: In silico analysis suggests that this variant does not alter protein structure/function; In-frame deletion of 1 amino acid(s) in a non-repeat region; This variant is associated with the following publications: (PMID: 33494148, 39062705, 37806543, 28041643, 32581362, 38219857)

Labcorp Genetics (formerly Invitae), Labcorp
Classification: Uncertain significance. Last evaluated: 2023-12-11. Review status: criteria provided, single submitter. Criteria: Invitae Variant Classification Sherloc (09022015). Collection method: clinical testing. Allele origin: germline.
Comment: This variant, c.832_834del, results in the deletion of 1 amino acid(s) of the RBP3 protein (p.Phe278del), but otherwise preserves the integrity of the reading frame. This variant is present in population databases (rs782604129, gnomAD 0.004%). This variant has been observed in individual(s) with bilateral cataracts and/or inherited retinal dystrophy (PMID: 32581362, 33494148). ClinVar contains an entry for this variant (Variation ID: 437963). Experimental studies and prediction algorithms are not available or were not evaluated, and the functional significance of this variant is currently unknown. In summary, the available evidence is currently insufficient to determine the role of this variant in disease. Therefore, it has been classified as a Variant of Uncertain Significance.

Blueprint Genetics
Classification: Uncertain significance. Last evaluated: 2021-08-24. Review status: criteria provided, single submitter. Criteria: ACMG Guidelines, 2015. Collection method: clinical testing. Allele origin: germline.

NIHR Bioresource Rare Diseases, University of Cambridge
Classification: Likely pathogenic for Congenital stationary night blindness. Last evaluated: 2015-01-01. Review status: no assertion criteria provided. Collection method: research. Allele origin: unknown. Affected: yes. Observed: 1 variant allele. Not counted in ClinVar's aggregate classification.

Literature cited by the submitters: PubMed 32581362 (cited by Labcorp Genetics (formerly Invitae), Labcorp); PubMed 33494148 (cited by Labcorp Genetics (formerly Invitae), Labcorp); PubMed 28041643 (cited by NIHR Bioresource Rare Diseases, University of Cambridge).